The following is an entry in ClinVar:

ClinVar aggregate classification (germline): Conflicting classifications of pathogenicity. Review status: criteria provided, conflicting classifications (1 of 4 stars). 2 submissions from 2 submitters: Uncertain significance (1); Likely benign (1). Last evaluated 2026-01-19.

Conditions:
Cardiovascular phenotype. Identifiers: MedGen CN230736.

Allele frequency attached by ClinVar (database versions not stated): gnomAD exomes below 0.00001; ExAC 0.00001.
gnomAD v4.1: 4 of 1,614,210 alleles (0.00025%); highest among the groups gnomAD compares: Non-Finnish European, 0.00034%; no homozygotes.

Submissions (2):

Labcorp Genetics (formerly Invitae), Labcorp
Classification: Uncertain significance. Last evaluated: 2026-01-19. Review status: criteria provided, single submitter. Criteria: Invitae Variant Classification Sherloc (09022015). Collection method: clinical testing. Allele origin: germline.
Comment: This sequence change replaces histidine, which is basic and polar, with arginine, which is basic and polar, at codon 988 of the ALPK3 protein (p.His988Arg). This variant is present in population databases (rs756677425, gnomAD 0.002%). This variant has not been reported in the literature in individuals affected with ALPK3-related conditions. ClinVar contains an entry for this variant (Variation ID: 1972405). Invitae Evidence Modeling of protein sequence and biophysical properties (such as structural, functional, and spatial information, amino acid conservation, physicochemical variation, residue mobility, and thermodynamic stability) indicates that this missense variant is not expected to disrupt ALPK3 protein function with a negative predictive value of 80%. In summary, the available evidence is currently insufficient to determine the role of this variant in disease. Therefore, it has been classified as a Variant of Uncertain Significance.

Ambry Genetics
Classification: Likely benign for Cardiovascular phenotype. Last evaluated: 2024-12-12. Review status: criteria provided, single submitter. Criteria: Ambry Variant Classification Scheme 2023. Collection method: clinical testing. Allele origin: germline.

NM_020778.5(ALPK3):c.2357A>G (p.His786Arg)

Gene: ALPK3 (alpha kinase 3; plus strand). Cytogenetic location: 15q25.3.
Variant type: single nucleotide variant.
Coding change: c.2357A>G on transcript NM_020778.5 (MANE Select); coding-DNA position 2357, A replaced by G.
Protein change: p.His786Arg; replaces histidine 786 with arginine.
Molecular consequence: missense variant.
Genome position (GRCh38, 1-based): chr15:84,857,095, A>G. VCF-style: chr15-84857095-A-G. GRCh37 (hg19) VCF-style: chr15-85400326-A-G.
Other names: c.2963A>G (NM_020778.4); short protein forms H786R.
Identifiers: ClinVar variation 1972405 (VCV001972405.6), dbSNP rs756677425, ClinGen allele CA7709393.